The following is an entry in ClinVar:

NM_000466.3(PEX1):c.56_80del (p.Val19fs)

Genes: PEX1 (peroxisomal biogenesis factor 1; minus strand), LOC129998796 (ATAC-STARR-seq lymphoblastoid silent region 18372; plus strand). Cytogenetic location: 7q21.2.
Variant type: Deletion.
Coding change: c.56_80del on transcript NM_000466.3 (MANE Select); coding-DNA positions 56 to 80, 25 bases deleted (TGGCCTTCACCAACGCTCGCGACTG).
Protein change: p.Val19fs; shifts the reading frame from valine 19.
Molecular consequence: frameshift variant. On other transcripts: 5 prime UTR variant (1).
Genome position (GRCh38, 1-based): chr7:92,528,356-92,528,380, CAGTCGCGAGCGTTGGTGAAGGCCA deleted on the plus strand (TGGCCTTCACCAACGCTCGCGACTG on the coding strand, the reverse complement: PEX1 is on the minus strand); deleting any 25 consecutive bases within chr7:92,528,356-92,528,385 gives the same sequence; the c. name uses the placement nearest the transcript's 3' end. VCF-style (leftmost placement, unchanged base first): chr7-92528355-GCAGTCGCGAGCGTTGGTGAAGGCCA-G. GRCh37 (hg19) VCF-style: chr7-92157669-GCAGTCGCGAGCGTTGGTGAAGGCCA-G.
Other names: c.56_80delTGGCCTTCACCAACGCTCGCGACTG (NM_000466.2); c.56_80del25 (NM_000466.2); c.56_80del, p.Val19fs (NM_001282677.2); c.-604_-580del (NM_001282678.2); short protein forms V19fs.
Identifiers: ClinVar variation 1451521 (VCV001451521.12), dbSNP rs1793398751, ClinGen allele CA1725956128.
Genomic context (GRCh38, chr7:92,528,355, plus strand): 5'-CCGGCAGGTTACCTGCAGCAGATGCAGCTGGGCCACGAGACGCCGCGGCAGGTGGAGGAA[GCAGTCGCGAGCGTTGGTGAAGGCCA>G]CAGTCACTGCCGCCCCGCCTCCCCCAGCACCCGCCAGGCGATCGCTGCCCCACATCGTCC-3'

ClinVar aggregate classification (germline): Pathogenic/Likely pathogenic. Review status: criteria provided, multiple submitters, no conflicts (2 of 4 stars). 7 submissions from 7 submitters: Pathogenic (2); Likely pathogenic (4). 1 of the submissions does not count toward it. Last evaluated 2025-10-14.

Conditions:
Zellweger spectrum disorders (ZS). Also called: Zellweger Spectrum Disorder (ZSD); Zellweger Spectrum Disorder; Zellweger Spectrum; Zellweger syndrome. Identifiers: Orphanet 912, MedGen C0043459, MONDO:0019609.
Peroxisome biogenesis disorder. Identifiers: Orphanet 79189, MedGen C1832200, MONDO:0019234. Disease mechanism: loss of function.
PEX1-related disorder. Also called: PEX1-related condition.
Heimler syndrome 1 (HMLR1). Also called: PEROXISOME BIOGENESIS DISORDER 1C. Identifiers: Orphanet 3220, MedGen C4551980, OMIM 234580, MONDO:0024544.
Peroxisome biogenesis disorder 1A (Zellweger) (PBD1A). Also called: Zellweger leukodystrophy; Peroxisome biogenesis disorder 1a. Identifiers: MedGen C4721541, MONDO:0008953, OMIM 214100.
Peroxisome biogenesis disorder 1B (PBD1B). Also called: PEROXISOME BIOGENESIS DISORDER (NEONATAL ADRENOLEUKODYSTROPHY/INFANTILE REFSUM DISEASE); INFANTILE PHYTANIC ACID STORAGE DISEASE; Infantile Refsum disease; Infantile form of phytanic acid storage disease; Refsum disease, infantile form; PEROXISOME BIOGENESIS DISORDER (NALD/IRD). Identifiers: Orphanet 44, MedGen C0282527, MONDO:0011101, OMIM 601539.

Submissions (7):

Natera, Inc.
Classification: Likely pathogenic for Zellweger syndrome. Last evaluated: 2025-10-14. Review status: criteria provided, single submitter. Criteria: Natera Variant Classification Schema (03/2026). Collection method: clinical testing. Allele origin: germline.
Comment: The c.56_80delTGGCCTTCACCAACGCTCGCGACTG variant in PEX1 is a frameshift variant predicted to shift the reading frame beginning at codon 19 and leads to a stop codon 21 codons downstream. This variant is expected to result in nonsense mediated decay, truncation, or a dysfunctional protein product. This variant is rare in the general population with a frequency below the threshold expected for the associated phenotype(s). Given the available evidence, this variant is classified as Likely Pathogenic.

Baylor Genetics
Classification: Likely pathogenic for Heimler syndrome 1. Last evaluated: 2023-09-10. Review status: criteria provided, single submitter. Criteria: ACMG Guidelines, 2015. Collection method: clinical testing. Allele origin: unknown.

Labcorp Genetics (formerly Invitae), Labcorp
Classification: Pathogenic for Zellweger spectrum disorders. Last evaluated: 2023-07-18. Review status: criteria provided, single submitter. Criteria: Invitae Variant Classification Sherloc (09022015). Collection method: clinical testing. Allele origin: germline.
Comment: This variant is not present in population databases (gnomAD no frequency). This sequence change creates a premature translational stop signal (p.Val19Alafs*21) in the PEX1 gene. It is expected to result in an absent or disrupted protein product. Loss-of-function variants in PEX1 are known to be pathogenic (PMID: 9398847, 16086329, 16141001, 21031596, 26387595, 31831025). This variant has not been reported in the literature in individuals affected with PEX1-related conditions. For these reasons, this variant has been classified as Pathogenic. ClinVar contains an entry for this variant (Variation ID: 1451521).

Blueprint Genetics
Classification: Likely pathogenic for PEX1-related disorders. Last evaluated: 2023-04-11. Review status: criteria provided, single submitter. Criteria: ACMG Guidelines, 2015. Collection method: clinical testing. Allele origin: germline. Affected: yes. Observed: 3 variant alleles.

Women's Health and Genetics/Laboratory Corporation of America, LabCorp
Classification: Likely pathogenic for Peroxisome biogenesis disorder. Last evaluated: 2022-12-08. Review status: criteria provided, single submitter. Criteria: LabCorp Variant Classification Summary - May 2015. Collection method: clinical testing. Allele origin: germline.
Comment: Variant summary: PEX1 c.56_80del25 (p.Val19AlafsX21) results in a premature termination codon, predicted to cause a truncation of the encoded protein or absence of the protein due to nonsense mediated decay, which are commonly known mechanisms for disease. Truncations downstream of this position have been classified as pathogenic by our laboratory. The variant was absent in 191070 control chromosomes. To our knowledge, no occurrence of c.56_80del25 in individuals affected with Zellweger Syndrome and no experimental evidence demonstrating its impact on protein function have been reported. One clinical diagnostic laboratory has submitted clinical-significance assessments for this variant to ClinVar after 2014 without evidence for independent evaluation. One laboratory classified the variant as pathogenic. Based on the evidence outlined above, the variant was classified as likely pathogenic.

Fulgent Genetics
Classification: Pathogenic for Peroxisome biogenesis disorder 1A (Zellweger); Heimler syndrome 1; Peroxisome biogenesis disorder 1B. Last evaluated: 2021-07-27. Review status: criteria provided, single submitter. Criteria: ACMG Guidelines, 2015. Collection method: clinical testing. Allele origin: unknown.

PreventionGenetics, part of Exact Sciences
Classification: Likely pathogenic for PEX1-related condition. Last evaluated: 2024-09-16. Review status: no assertion criteria provided. Collection method: clinical testing. Allele origin: germline. Not counted in ClinVar's aggregate classification.
Comment: The PEX1 c.56_80del25 variant is predicted to result in a frameshift and premature protein termination (p.Val19Alafs*21). To our knowledge, this variant has not been reported in the literature in individuals with PEX1-related disorders although it has been reported in an expanded carrier screening study (Supplemental, Chen et al. 2024 PubMed ID: 37798098). This variant has not been reported in a large population database, indicating this variant is rare. Frameshift variants in PEX1 are expected to be pathogenic. This variant is interpreted as likely pathogenic.

Literature cited by the submitters: PubMed 9398847 (cited by Labcorp Genetics (formerly Invitae), Labcorp); PubMed 16086329 (cited by Labcorp Genetics (formerly Invitae), Labcorp); PubMed 16141001 (cited by Labcorp Genetics (formerly Invitae), Labcorp); PubMed 21031596 (cited by Labcorp Genetics (formerly Invitae), Labcorp); PubMed 26387595 (cited by Labcorp Genetics (formerly Invitae), Labcorp); PubMed 31831025 (cited by Labcorp Genetics (formerly Invitae), Labcorp).